The following is an entry in ClinVar:

NM_005802.5(TOPORS):c.3003G>C (p.Glu1001Asp)

Gene: TOPORS (TOP1 binding arginine/serine rich protein, E3 ubiquitin ligase; minus strand). Cytogenetic location: 9p21.1.
Variant type: single nucleotide variant.
Coding change: c.3003G>C on transcript NM_005802.5 (MANE Select); coding-DNA position 3003, G replaced by C.
Protein change: p.Glu1001Asp; replaces glutamic acid 1001 with aspartic acid.
Molecular consequence: missense variant.
Genome position (GRCh38, 1-based): chr9:32,541,522, C>G on the plus strand (G>C on the coding strand, the complement: TOPORS is on the minus strand). VCF-style: chr9-32541522-C-G. GRCh37 (hg19) VCF-style: chr9-32541520-C-G.
Other names: c.2808G>C, p.Glu936Asp (NM_001195622.2); c.3003G>C (NM_005802.4); short protein forms E1001D, E936D.
Identifiers: ClinVar variation 1924551 (VCV001924551.30), dbSNP rs745504273, ClinGen allele CA5020284.
Genomic context (GRCh38, chr9:32,541,522, plus strand): 5'-CTCAGTTTGAAGAGACACAATGTTACTGGGCTGGTTCTCCAAATCAGAAACAAAGGTGCT[C>G]TCTTCTCTTACATCGAGAGTTTGTTCAACTGAAGCTGCCAGAGGTGGAATATTATCTACA-3'
Protein context (NP_005793.2, residues 991-1011): SVEQTLDVRE[Glu1001Asp]STFVSDLENQ

ClinVar aggregate classification (germline): Conflicting classifications of pathogenicity. Review status: criteria provided, conflicting classifications (1 of 4 stars). 4 submissions from 4 submitters: Uncertain significance (3); Likely benign (1). Last evaluated 2025-07-29.

Conditions:
Inborn genetic diseases. Identifiers: MedGen C0950123, MeSH D030342.
TOPORS-related disorder. Also called: TOPORS-related condition.

Allele frequency attached by ClinVar (database versions not stated): ExAC 0.00002; TOPMed 0.00002; gnomAD 0.00003; gnomAD exomes 0.00005.
gnomAD v4.1: 70 of 1,614,082 alleles (0.0043%); highest among the groups gnomAD compares: Non-Finnish European, 0.0058%; no homozygotes.

Submissions (4):

Labcorp Genetics (formerly Invitae), Labcorp
Classification: Uncertain significance. Last evaluated: 2025-07-29. Review status: criteria provided, single submitter. Criteria: Invitae Variant Classification Sherloc (09022015). Collection method: clinical testing. Allele origin: germline.
Comment: This sequence change replaces glutamic acid, which is acidic and polar, with aspartic acid, which is acidic and polar, at codon 1001 of the TOPORS protein (p.Glu1001Asp). This variant is present in population databases (rs745504273, gnomAD 0.007%). This variant has not been reported in the literature in individuals affected with TOPORS-related conditions. ClinVar contains an entry for this variant (Variation ID: 1924551). An algorithm developed to predict the effect of missense changes on protein structure and function outputs the following: PolyPhen-2: "Not Available". The aspartic acid amino acid residue is found in multiple mammalian species, which suggests that this missense change does not adversely affect protein function. In summary, the available evidence is currently insufficient to determine the role of this variant in disease. Therefore, it has been classified as a Variant of Uncertain Significance.

Ambry Genetics
Classification: Uncertain significance for Inborn genetic diseases. Last evaluated: 2025-04-30. Review status: criteria provided, single submitter. Criteria: Ambry Variant Classification Scheme 2023. Collection method: clinical testing. Allele origin: germline.

PreventionGenetics, part of Exact Sciences
Classification: Uncertain significance for TOPORS-related condition. Last evaluated: 2025-01-29. Review status: criteria provided, single submitter. Criteria: ACMG Guidelines, 2015. Collection method: clinical testing. Allele origin: germline.
Comment: The TOPORS c.3003G>C variant is predicted to result in the amino acid substitution p.Glu1001Asp. To our knowledge, this variant has not been reported in the literature. This variant is reported in 0.0070% of alleles in individuals of European (Non-Finnish) descent in gnomAD. At this time, the clinical significance of this variant is uncertain due to the absence of conclusive functional and genetic evidence.

CeGaT Center for Human Genetics Tuebingen
Classification: Likely benign. Last evaluated: 2023-02-01. Review status: criteria provided, single submitter. Criteria: CeGaT Center For Human Genetics Tuebingen Variant Classification Criteria Version 2. Collection method: clinical testing. Allele origin: germline. Affected: yes. Observed: 1 variant allele.
Comment: TOPORS: BP4, BS1